The following is an entry in ClinVar:

ClinVar aggregate classification (germline): Uncertain significance (1 of 4 stars; one submission).

Conditions:
Hyper-IgE recurrent infection syndrome 1, autosomal dominant. Also called: JOB SYNDROME; Job's Syndrome; STAT3 Hyper IgE Syndrome; Hyper-IgE recurrent infection syndrome 1; HYPER-IgE SYNDROME 1, AUTOSOMAL DOMINANT, WITH RECURRENT INFECTIONS. Identifiers: Orphanet 2314, MedGen C2936739, MONDO:0007818, OMIM 147060.
STAT3 gain of function. Identifiers: MedGen C4288261.

Submission:

Labcorp Genetics (formerly Invitae), Labcorp
Classification: Uncertain significance for STAT3 gain of function; Hyper-IgE recurrent infection syndrome 1, autosomal dominant. Last evaluated: 2023-03-23. Review status: criteria provided, single submitter. Criteria: Invitae Variant Classification Sherloc (09022015). Collection method: clinical testing. Allele origin: germline.
Comment: This sequence change replaces glutamine, which is neutral and polar, with proline, which is neutral and non-polar, at codon 469 of the STAT3 protein (p.Gln469Pro). This variant is not present in population databases (gnomAD no frequency). This missense change has been observed in individual(s) with Hyper-IgE syndrome (Invitae). Advanced modeling of protein sequence and biophysical properties (such as structural, functional, and spatial information, amino acid conservation, physicochemical variation, residue mobility, and thermodynamic stability) performed at Invitae indicates that this missense variant is expected to disrupt STAT3 protein function. This variant disrupts the p.Gln469 amino acid residue in STAT3. Other variant(s) that disrupt this residue have been observed in individuals with STAT3-related conditions (PMID: 18602572, 21324546), which suggests that this may be a clinically significant amino acid residue. In summary, the available evidence is currently insufficient to determine the role of this variant in disease. Therefore, it has been classified as a Variant of Uncertain Significance.

Literature cited by the submitters: PubMed 18602572; PubMed 21324546.

NM_139276.3(STAT3):c.1406A>C (p.Gln469Pro)

Gene: STAT3 (signal transducer and activator of transcription 3; minus strand). Cytogenetic location: 17q21.2.
Variant type: single nucleotide variant.
Coding change: c.1406A>C on transcript NM_139276.3 (MANE Select); coding-DNA position 1406, A replaced by C.
Protein change: p.Gln469Pro; replaces glutamine 469 with proline.
Molecular consequence: missense variant.
Genome position (GRCh38, 1-based): chr17:42,325,021, T>G on the plus strand (A>C on the coding strand, the complement: STAT3 is on the minus strand). VCF-style: chr17-42325021-T-G. GRCh37 (hg19) VCF-style: chr17-40477039-T-G.
Other names: c.1406A>C, p.Gln469Pro (NM_001369512.1, NM_001384987.1, NM_001384988.1 and 11 more transcripts); c.1421A>C, p.Gln474Pro (NM_001384986.1, NM_001384990.1); c.1310A>C, p.Gln437Pro (NM_001384989.1); c.1346A>C, p.Gln449Pro (NM_001384992.1); c.1322A>C, p.Gln441Pro (NM_001384984.1); c.1328A>C, p.Gln443Pro (NM_001384985.1); short protein forms Q443P, Q474P, Q437P, Q441P, Q469P, Q449P.
Identifiers: ClinVar variation 2945692 (VCV002945692.3), dbSNP rs2509260402, ClinGen allele CA399587252.